The following is an entry in ClinVar:

NM_002242.4(KCNJ13):c.892T>C (p.Cys298Arg)

Genes: GIGYF2 (GRB10 interacting GYF protein 2; plus strand), KCNJ13 (potassium inwardly rectifying channel subfamily J member 13; minus strand). Cytogenetic location: 2q37.1.
Variant type: single nucleotide variant.
Coding change: c.892T>C on transcript NM_002242.4 (MANE Select); coding-DNA position 892, T replaced by C.
Protein change: p.Cys298Arg; replaces cysteine 298 with arginine.
Molecular consequence: missense variant. On other transcripts: 3 prime UTR variant (1), intron variant (4).
Genome position (GRCh38, 1-based): chr2:232,768,382, A>G on the plus strand (T>C on the coding strand, the complement: KCNJ13 is on the minus strand). VCF-style: chr2-232768382-A-G. GRCh37 (hg19) VCF-style: chr2-233633092-A-G.
Other names: c.*371T>C (NM_001172416.1); c.652T>C, p.Cys218Arg (NM_001172417.1); c.532+6946A>G (NM_001103146.3, NM_015575.4, NM_001103147.2 and 1 more transcripts); short protein forms C218R, C298R.
Identifiers: ClinVar variation 1380434 (VCV001380434.8), dbSNP rs752987924, ClinGen allele CA2169973.
Genomic context (GRCh38, chr2:232,768,382, plus strand): 5'-AATTCTCCATCTTGATTTGATATTCACCTTTGGAACCTCGGGTCAACAGAGATGCAAAAC[A>G]GTGATGTAACATGATTTCAGACGGTAGGTAGGATGTCCTCCTTTGGCATATTTCTCCAGT-3'
Protein context (NP_002233.2, residues 288-308): YLPSEIMLHH[Cys298Arg]FASLLTRGSK

ClinVar aggregate classification (germline): Uncertain significance (1 of 4 stars; one submission).

Allele frequency attached by ClinVar (database versions not stated): gnomAD exomes below 0.00001; TOPMed below 0.00001; ExAC 0.00001.
gnomAD v4.1: 1 of 1,614,174 alleles (0.000062%); highest among the groups gnomAD compares: Admixed American, 0.0017%; no homozygotes.

Submission:

Labcorp Genetics (formerly Invitae), Labcorp
Classification: Uncertain significance. Last evaluated: 2022-08-16. Review status: criteria provided, single submitter. Criteria: Invitae Variant Classification Sherloc (09022015). Collection method: clinical testing. Allele origin: germline.
Comment: In summary, the available evidence is currently insufficient to determine the role of this variant in disease. Therefore, it has been classified as a Variant of Uncertain Significance. Algorithms developed to predict the effect of missense changes on protein structure and function output the following: SIFT: "Tolerated"; PolyPhen-2: "Benign"; Align-GVGD: "Class C0". The arginine amino acid residue is found in multiple mammalian species, which suggests that this missense change does not adversely affect protein function. ClinVar contains an entry for this variant (Variation ID: 1380434). This variant has not been reported in the literature in individuals affected with KCNJ13-related conditions. This variant is present in population databases (rs752987924, gnomAD 0.003%). This sequence change replaces cysteine, which is neutral and slightly polar, with arginine, which is basic and polar, at codon 298 of the KCNJ13 protein (p.Cys298Arg).